The following is an entry in ClinVar:

NM_032043.3(BRIP1):c.2272G>A (p.Val758Ile)

Gene: BRIP1 (BRCA1 interacting DNA helicase 1; minus strand). Cytogenetic location: 17q23.2.
Variant type: single nucleotide variant.
Coding change: c.2272G>A on transcript NM_032043.3 (MANE Select); coding-DNA position 2272, G replaced by A.
Protein change: p.Val758Ile; replaces valine 758 with isoleucine.
Molecular consequence: missense variant.
Genome position (GRCh38, 1-based): chr17:61,743,120, C>T on the plus strand (G>A on the coding strand, the complement: BRIP1 is on the minus strand). VCF-style: chr17-61743120-C-T. GRCh37 (hg19) VCF-style: chr17-59820481-C-T.
Other names: short protein forms V758I.
Identifiers: ClinVar variation 1059146 (VCV001059146.11), dbSNP rs1192826909, ClinGen allele CA400482741.

ClinVar aggregate classification (germline): Uncertain significance. Review status: criteria provided, multiple submitters, no conflicts (2 of 4 stars). 2 submissions from 2 submitters: Uncertain significance (2). Last evaluated 2026-01-13.

Conditions:
Familial cancer of breast. Also called: hereditary breast carcinoma; BREAST CANCER, FAMILIAL; Hereditary breast cancer. Identifiers: Orphanet 227535, MedGen C0346153, MONDO:0016419, OMIM 114480. Disease mechanism: loss of function.
Fanconi anemia complementation group J. Also called: BRIP1-Related Fanconi Anemia. Identifiers: Orphanet 84, MedGen C1836860, MONDO:0012187, OMIM 609054.
Hereditary breast ovarian cancer syndrome. Also called: Hereditary breast and ovarian cancer; Breast and ovarian cancer; BRCA1- and BRCA2-Associated Hereditary Breast and Ovarian Cancer; Hereditary breast and ovarian cancer syndrome; Hereditary breast and ovarian cancer syndrome (HBOC); Hereditary breast and/or ovarian cancer syndrome. Identifiers: Orphanet 145, MedGen C0677776, MeSH D061325, MONDO:0003582. Disease mechanism: loss of function.

Allele frequency attached by ClinVar (database versions not stated): gnomAD exomes below 0.00001.
gnomAD v4.1: 2 of 1,613,794 alleles (0.00012%); highest among the groups gnomAD compares: Non-Finnish European, 0.00017%; no homozygotes.

Submissions (2):

German Consortium for Hereditary Breast and Ovarian Cancer, University Hospital Cologne
Classification: Uncertain significance for Hereditary breast ovarian cancer syndrome. Last evaluated: 2026-01-13. Review status: criteria provided, single submitter. Criteria: ACMG Guidelines, 2015. Collection method: curation. Allele origin: germline.
Comment: This classification follows the ACMG SVI adaptation classification scheme; We chose these criteria: PM2 (supporting pathogenic): 2x in gnomAD v.4 , BP4 (supporting benign): REVEL: 0.188

Labcorp Genetics (formerly Invitae), Labcorp
Classification: Uncertain significance for Familial cancer of breast; Fanconi anemia complementation group J. Last evaluated: 2022-08-17. Review status: criteria provided, single submitter. Criteria: Invitae Variant Classification Sherloc (09022015). Collection method: clinical testing. Allele origin: germline.
Comment: In summary, the available evidence is currently insufficient to determine the role of this variant in disease. Therefore, it has been classified as a Variant of Uncertain Significance. Algorithms developed to predict the effect of missense changes on protein structure and function output the following: SIFT: "Tolerated"; PolyPhen-2: "Benign"; Align-GVGD: "Class C0". The isoleucine amino acid residue is found in multiple mammalian species, which suggests that this missense change does not adversely affect protein function. ClinVar contains an entry for this variant (Variation ID: 1059146). This variant has not been reported in the literature in individuals affected with BRIP1-related conditions. This variant is not present in population databases (gnomAD no frequency). This sequence change replaces valine, which is neutral and non-polar, with isoleucine, which is neutral and non-polar, at codon 758 of the BRIP1 protein (p.Val758Ile).